The following is an entry in ClinVar:

NM_181882.3(PRX):c.231C>A (p.Tyr77Ter)

Gene: PRX (periaxin; minus strand). Cytogenetic location: 19q13.2.
Variant type: single nucleotide variant.
Coding change: c.231C>A on transcript NM_181882.3 (MANE Select); coding-DNA position 231, C replaced by A.
Protein change: p.Tyr77Ter; replaces tyrosine 77 with a stop codon.
Molecular consequence: nonsense.
Genome position (GRCh38, 1-based): chr19:40,398,770, G>T on the plus strand (C>A on the coding strand, the complement: PRX is on the minus strand). VCF-style: chr19-40398770-G-T. GRCh37 (hg19) VCF-style: chr19-40904677-G-T.
Other names: c.231C>A, p.Tyr77Ter (NM_020956.2); short protein forms Y77*.
Identifiers: ClinVar variation 958213 (VCV000958213.15), dbSNP rs752192677, ClinGen allele CA405901329.

ClinVar aggregate classification (germline): Pathogenic/Likely pathogenic. Review status: criteria provided, multiple submitters, no conflicts (2 of 4 stars). 5 submissions from 4 submitters: Pathogenic (3); Likely pathogenic (1). 1 of the submissions does not count toward it. Last evaluated 2024-03-21.

Conditions:
Gaucher disease. Also called: Acute cerebral Gaucher disease; Cerebroside lipidosis syndrome; Gaucher splenomegaly; Sphingolipidosis 1; Glucocerebrosidosis; Glucosylceramidase deficiency. Identifiers: Orphanet 355, MedGen C0017205, MONDO:0018150.
PRX-related disorder. Also called: PRX-Related Disorders; PRX-related condition.
Charcot-Marie-Tooth disease type 4. Also called: Charcot-Marie-Tooth disease, type IV; Charcot-Marie-Tooth, Type 4. Identifiers: Orphanet 64749, MedGen C4082197, MONDO:0018995.
Charcot-Marie-Tooth disease type 4F. Also called: Charcot-Marie-Tooth disease, demyelinating, type 4F. Identifiers: Orphanet 99952, MedGen C3540453, MONDO:0013959, OMIM 614895.

Submissions (5):

Women's Health and Genetics/Laboratory Corporation of America, LabCorp
Classification: Pathogenic for Gaucher disease. Last evaluated: 2024-03-21. Review status: criteria provided, single submitter. Criteria: LabCorp Variant Classification Summary - May 2015. Collection method: clinical testing. Allele origin: germline.

Women's Health and Genetics/Laboratory Corporation of America, LabCorp
Classification: Pathogenic for PRX-Related Disorders. Last evaluated: 2024-03-21. Review status: criteria provided, single submitter. Criteria: LabCorp Variant Classification Summary - May 2015. Collection method: clinical testing. Allele origin: germline.
Comment: Variant summary: PRX c.231C>A (p.Tyr77X) results in a premature termination codon, predicted to cause a truncation of the encoded protein or absence of the protein due to nonsense mediated decay, which are commonly known mechanisms for disease. The variant was absent in 247616 control chromosomes. c.231C>A has been reported in the literature in multiple homozygous individuals affected with autosomal recessive CMT Type 4F, and segregates with disease within a large family (e.g. Zaman_2023). These data indicate that the variant is very likely to be associated with disease. To our knowledge, no experimental evidence demonstrating an impact on protein function has been reported. The following publication has been ascertained in the context of this evaluation (PMID: 36833258). ClinVar contains an entry for this variant (Variation ID: 958213). Based on the evidence outlined above, the variant was classified as pathogenic.

Blueprint Genetics
Classification: Likely pathogenic for PRX-related disorders. Last evaluated: 2022-05-30. Review status: criteria provided, single submitter. Criteria: ACMG Guidelines, 2015. Collection method: clinical testing. Allele origin: germline. Affected: yes. Observed: 2 variant alleles.

Labcorp Genetics (formerly Invitae), Labcorp
Classification: Pathogenic for Charcot-Marie-Tooth disease type 4. Last evaluated: 2022-02-28. Review status: criteria provided, single submitter. Criteria: Invitae Variant Classification Sherloc (09022015). Collection method: clinical testing. Allele origin: germline.
Comment: Algorithms developed to predict the effect of sequence changes on RNA splicing suggest that this variant may create or strengthen a splice site. ClinVar contains an entry for this variant (Variation ID: 958213). This premature translational stop signal has been observed in individual(s) with clinical indication for PRX genetic testing (PMID: 25614874). This variant is not present in population databases (gnomAD no frequency). This sequence change creates a premature translational stop signal (p.Tyr77*) in the PRX gene. It is expected to result in an absent or disrupted protein product. Loss-of-function variants in PRX are known to be pathogenic (PMID: 11133365). For these reasons, this variant has been classified as Pathogenic.

Institute of Human Genetics, University of Ulm
Classification: Pathogenic for Charcot-Marie-Tooth disease type 4F. Last evaluated: 2022-04-12. Review status: no assertion criteria provided. Collection method: research. Allele origin: germline. Inheritance: Autosomal recessive inheritance. Affected: yes. Observed: 7 variant alleles, 7 homozygotes. Not counted in ClinVar's aggregate classification.

Literature cited by the submitters: PubMed 36833258 (cited by Women's Health and Genetics/Laboratory Corporation of America, LabCorp); PubMed 25614874 (cited by Labcorp Genetics (formerly Invitae), Labcorp); PubMed 11133365 (cited by Labcorp Genetics (formerly Invitae), Labcorp).